The following is an entry in ClinVar:

NM_001457.4(FLNB):c.5361A>T (p.Arg1787Ser)

Gene: FLNB (filamin B; plus strand). Cytogenetic location: 3p14.3.
Variant type: single nucleotide variant.
Coding change: c.5361A>T on transcript NM_001457.4 (MANE Select); coding-DNA position 5361, A replaced by T.
Protein change: p.Arg1787Ser; replaces arginine 1787 with serine.
Molecular consequence: missense variant.
Genome position (GRCh38, 1-based): chr3:58,143,549, A>T. VCF-style: chr3-58143549-A-T. GRCh37 (hg19) VCF-style: chr3-58129276-A-T.
Other names: c.5454A>T, p.Arg1818Ser (NM_001164317.2); c.5328A>T, p.Arg1776Ser (NM_001164318.2); c.5289A>T, p.Arg1763Ser (NM_001164319.2); short protein forms R1763S, R1776S, R1787S, R1818S.
Identifiers: ClinVar variation 2852716 (VCV002852716.3), dbSNP rs2471190254, ClinGen allele CA353354027.

ClinVar aggregate classification (germline): Uncertain significance (1 of 4 stars; one submission).

Allele frequency attached by ClinVar (database versions not stated): gnomAD exomes below 0.00001.
gnomAD v4.1: 1 of 1,614,142 alleles (0.000062%); highest among the groups gnomAD compares: Non-Finnish European, 0.000085%; no homozygotes.

Submission:

Labcorp Genetics (formerly Invitae), Labcorp
Classification: Uncertain significance. Last evaluated: 2023-11-29. Review status: criteria provided, single submitter. Criteria: Invitae Variant Classification Sherloc (09022015). Collection method: clinical testing. Allele origin: germline.
Comment: This sequence change replaces arginine, which is basic and polar, with serine, which is neutral and polar, at codon 1787 of the FLNB protein (p.Arg1787Ser). This variant is not present in population databases (gnomAD no frequency). This variant has not been reported in the literature in individuals affected with FLNB-related conditions. Advanced modeling of protein sequence and biophysical properties (such as structural, functional, and spatial information, amino acid conservation, physicochemical variation, residue mobility, and thermodynamic stability) performed at Invitae indicates that this missense variant is not expected to disrupt FLNB protein function with a negative predictive value of 95%. In summary, the available evidence is currently insufficient to determine the role of this variant in disease. Therefore, it has been classified as a Variant of Uncertain Significance.